The following is an entry in ClinVar:

ClinVar aggregate classification (germline): Uncertain significance (1 of 4 stars; one submission).

Conditions:
Congenital disorder of deglycosylation (CDDG). Identifiers: MedGen C3808991, MONDO:0031376.

Submission:

Labcorp Genetics (formerly Invitae), Labcorp
Classification: Uncertain significance for Congenital disorder of deglycosylation. Last evaluated: 2022-07-17. Review status: criteria provided, single submitter. Criteria: Invitae Variant Classification Sherloc (09022015). Collection method: clinical testing. Allele origin: germline.
Comment: This sequence change replaces arginine, which is basic and polar, with isoleucine, which is neutral and non-polar, at codon 69 of the NGLY1 protein (p.Arg69Ile). In summary, the available evidence is currently insufficient to determine the role of this variant in disease. Therefore, it has been classified as a Variant of Uncertain Significance. Algorithms developed to predict the effect of missense changes on protein structure and function are either unavailable or do not agree on the potential impact of this missense change (SIFT: "Tolerated"; PolyPhen-2: "Possibly Damaging"; Align-GVGD: "Class C0"). This variant is not present in population databases (gnomAD no frequency). This variant has not been reported in the literature in individuals affected with NGLY1-related conditions.

NM_018297.4(NGLY1):c.206G>T (p.Arg69Ile)

Gene: NGLY1 (N-glycanase 1; minus strand). Cytogenetic location: 3p24.2.
Variant type: single nucleotide variant.
Coding change: c.206G>T on transcript NM_018297.4 (MANE Select); coding-DNA position 206, G replaced by T.
Protein change: p.Arg69Ile; replaces arginine 69 with isoleucine.
Molecular consequence: missense variant.
Genome position (GRCh38, 1-based): chr3:25,778,614, C>A on the plus strand (G>T on the coding strand, the complement: NGLY1 is on the minus strand). VCF-style: chr3-25778614-C-A. GRCh37 (hg19) VCF-style: chr3-25820105-C-A.
Other names: c.206G>T, p.Arg69Ile (NM_001145293.2, NM_001145295.2); c.80G>T, p.Arg27Ile (NM_001145294.2); short protein forms R27I, R69I.
Identifiers: ClinVar variation 1717324 (VCV001717324.6), dbSNP rs2470751894, ClinGen allele CA351910998.